The following is an entry in ClinVar:

NM_213655.5(WNK1):c.3378C>A (p.Asn1126Lys)

Gene: WNK1 (WNK lysine deficient protein kinase 1; plus strand). Cytogenetic location: 12p13.33.
Variant type: single nucleotide variant.
Coding change: c.3378C>A on transcript NM_213655.5 (MANE Plus Clinical); coding-DNA position 3378, C replaced by A.
Protein change: p.Asn1126Lys; replaces asparagine 1126 with lysine.
Molecular consequence: missense variant. On other transcripts: intron variant (2).
Genome position (GRCh38, 1-based): chr12:868,849, C>A. VCF-style: chr12-868849-C-A. GRCh37 (hg19) VCF-style: chr12-978015-C-A.
Other names: c.3123C>A, p.Asn1041Lys (NM_001184985.2); c.2140-2416C>A (NM_018979.4, NM_014823.3); short protein forms N1041K, N1126K.
Identifiers: ClinVar variation 1371816 (VCV001371816.6), dbSNP rs2154072183, ClinGen allele CA383341971.

ClinVar aggregate classification (germline): Uncertain significance (1 of 4 stars; one submission).

Conditions:
Neuropathy, hereditary sensory and autonomic, type 2A (HSAN2A). Also called: ACROOSTEOLYSIS, GIACCAI TYPE; ACROOSTEOLYSIS, NEUROGENIC; MORVAN DISEASE; NEUROPATHY, CONGENITAL SENSORY; NEUROPATHY, HEREDITARY SENSORY RADICULAR, AUTOSOMAL RECESSIVE; NEUROPATHY, HEREDITARY SENSORY, TYPE IIA. Identifiers: Orphanet 970, MedGen C2752089, MONDO:0024309, OMIM 201300.
Pseudohypoaldosteronism type 2C (PHA2C). Also called: Pseudohypoaldosteronism Type IIC. Identifiers: Orphanet 757, Orphanet 88940, MedGen C1840391, MONDO:0013778, OMIM 614492.

gnomAD v4.1: 2 of 1,613,930 alleles (0.00012%); highest among the groups gnomAD compares: Non-Finnish European, 0.00017%; no homozygotes.

Submission:

Labcorp Genetics (formerly Invitae), Labcorp
Classification: Uncertain significance for Neuropathy, hereditary sensory and autonomic, type 2A; Pseudohypoaldosteronism type 2C. Last evaluated: 2021-08-02. Review status: criteria provided, single submitter. Criteria: Invitae Variant Classification Sherloc (09022015). Collection method: clinical testing. Allele origin: germline.
Comment: In summary, the available evidence is currently insufficient to determine the role of this variant in disease. Therefore, it has been classified as a Variant of Uncertain Significance. Advanced modeling of protein sequence and biophysical properties (such as structural, functional, and spatial information, amino acid conservation, physicochemical variation, residue mobility, and thermodynamic stability) performed at Invitae indicates that this missense variant is not expected to disrupt WNK1 protein function. This variant has not been reported in the literature in individuals affected with WNK1-related conditions. This variant is not present in population databases (ExAC no frequency). This sequence change replaces asparagine with lysine at codon 1126 of the WNK1 protein (p.Asn1126Lys). The asparagine residue is weakly conserved and there is a moderate physicochemical difference between asparagine and lysine.